The following is an entry in ClinVar:

NM_005618.4(DLL1):c.1163G>A (p.Gly388Glu)

Gene: DLL1 (delta like canonical Notch ligand 1; minus strand). Cytogenetic location: 6q27.
Variant type: single nucleotide variant.
Coding change: c.1163G>A on transcript NM_005618.4 (MANE Select); coding-DNA position 1163, G replaced by A.
Protein change: p.Gly388Glu; replaces glycine 388 with glutamic acid.
Molecular consequence: missense variant.
Genome position (GRCh38, 1-based): chr6:170,285,005, C>T on the plus strand (G>A on the coding strand, the complement: DLL1 is on the minus strand). VCF-style: chr6-170285005-C-T. GRCh37 (hg19) VCF-style: chr6-170594093-C-T.
Other names: short protein forms G388E.
Identifiers: ClinVar variation 2501487 (VCV002501487.2), dbSNP rs1783663509, ClinGen allele CA366507887.

ClinVar aggregate classification (germline): Uncertain significance. Review status: criteria provided, multiple submitters, no conflicts (2 of 4 stars). 2 submissions from 2 submitters: Uncertain significance (2). Last evaluated 2025-05-12.

Allele frequency attached by ClinVar (database versions not stated): gnomAD exomes below 0.00001; TOPMed 0.00001.
gnomAD v4.1: 1 of 1,614,132 alleles (0.000062%); highest among the groups gnomAD compares: Non-Finnish European, 0.000085%; no homozygotes.

Submissions (2):

Women's Health and Genetics/Laboratory Corporation of America, LabCorp
Classification: Uncertain significance. Last evaluated: 2025-05-12. Review status: criteria provided, single submitter. Criteria: LabCorp Variant Classification Summary - May 2015. Collection method: clinical testing. Allele origin: germline.
Comment: Variant summary: DLL1 c.1163G>A (p.Gly388Glu) results in a non-conservative amino acid change in the encoded protein sequence. Algorithms developed to predict the effect of missense changes on protein structure and function all suggest that this variant is likely to be disruptive. The variant was absent in 251408 control chromosomes. The available data on variant occurrences in the general population are insufficient to allow any conclusion about variant significance. To our knowledge, no occurrence of c.1163G>A in individuals affected with Neurodevelopmental Disorder With Nonspecific Brain Abnormalities And With Or Without Seizures and no experimental evidence demonstrating its impact on protein function have been reported. ClinVar contains an entry for this variant (Variation ID: 2501487). Based on the evidence outlined above, the variant was classified as uncertain significance.

GeneDx
Classification: Uncertain significance. Last evaluated: 2022-11-08. Review status: criteria provided, single submitter. Criteria: GeneDx Variant Classification Process June 2021. Collection method: clinical testing. Allele origin: germline. Affected: yes.
Comment: Not observed at significant frequency in large population cohorts (gnomAD); In silico analysis supports that this missense variant has a deleterious effect on protein structure/function; Has not been previously published as pathogenic or benign to our knowledge